The following is an entry in ClinVar:

NM_003638.3(ITGA8):c.2118_2118+3del

Gene: ITGA8 (integrin subunit alpha 8; minus strand). Cytogenetic location: 10p13.
Variant type: Deletion.
Coding change: c.2118_2118+3del on transcript NM_003638.3 (MANE Select); coding-DNA position 2118 through 3 bases into the intron after coding-DNA position 2118, 4 bases deleted (GGTA; older notation c.2118_2118+3delGGTA).
Molecular consequence: splice donor variant.
Genome position (GRCh38, 1-based): chr10:15,604,205-15,604,208, TACC deleted on the plus strand (GGTA on the coding strand, the reverse complement: ITGA8 is on the minus strand); deleting any 4 consecutive bases within chr10:15,604,205-15,604,209 gives the same sequence; the c. name uses the placement nearest the transcript's 3' end. VCF-style (leftmost placement, unchanged base first): chr10-15604204-TTACC-T. GRCh37 (hg19) VCF-style: chr10-15646203-TTACC-T.
Other names: c.2073_2073+3del (NM_001291494.2).
Identifiers: ClinVar variation 3647486 (VCV003647486.2).
Genomic context (GRCh38, chr10:15,604,204, plus strand): 5'-TTAACATTTACTTGACTTCAAAAATATACCTAGCTCTTGACTTCAAACAATTTGCAGGCA[TTACC>T]TTGTTGTTGCGTTCGATTCCAACATAATCTGCCTCTTCTGGTATCATTACAAAGAGTTCA-3'

ClinVar aggregate classification (germline): Likely pathogenic (1 of 4 stars; one submission).

Submission:

Labcorp Genetics (formerly Invitae), Labcorp
Classification: Likely pathogenic. Last evaluated: 2024-03-24. Review status: criteria provided, single submitter. Criteria: Invitae Variant Classification Sherloc (09022015). Collection method: clinical testing. Allele origin: germline.
Comment: This variant results in the deletion of part of exon 20 (c.2118_2118+3del) of the ITGA8 gene. It is expected to disrupt RNA splicing. Variants that disrupt the donor or acceptor splice site typically lead to a loss of protein function (PMID: 16199547), and loss-of-function variants in ITGA8 are known to be pathogenic (PMID: 24439109). This variant is not present in population databases (gnomAD no frequency). This variant has not been reported in the literature in individuals affected with ITGA8-related conditions. Algorithms developed to predict the effect of sequence changes on RNA splicing suggest that this variant may disrupt the consensus splice site. In summary, the currently available evidence indicates that the variant is pathogenic, but additional data are needed to prove that conclusively. Therefore, this variant has been classified as Likely Pathogenic.

Literature cited by the submitters: PubMed 16199547; PubMed 24439109.